The following is an entry in ClinVar:

NM_001374736.1(DST):c.19558G>C (p.Glu6520Gln)

Gene: DST (dystonin; minus strand). Cytogenetic location: 6p12.1.
Variant type: single nucleotide variant.
Coding change: c.19558G>C on transcript NM_001374736.1 (MANE Select); coding-DNA position 19558, G replaced by C.
Protein change: p.Glu6520Gln; replaces glutamic acid 6520 with glutamine.
Molecular consequence: missense variant.
Genome position (GRCh38, 1-based): chr6:56,504,005, C>G on the plus strand (G>C on the coding strand, the complement: DST is on the minus strand). VCF-style: chr6-56504005-C-G. GRCh37 (hg19) VCF-style: chr6-56368803-C-G.
Other names: c.13201G>C, p.Glu4401Gln (NM_001144769.5); c.12787G>C, p.Glu4263Gln (NM_001144770.2); c.19558G>C, p.Glu6520Gln (NM_001374722.1); c.18598G>C, p.Glu6200Gln (NM_001374729.1); c.12340G>C, p.Glu4114Gln (NM_001374730.1); c.19585G>C, p.Glu6529Gln (NM_001374734.1); c.12667G>C, p.Glu4223Gln (NM_001386100.1, NM_183380.4); c.11689G>C, p.Glu3897Gln (NM_015548.5); short protein forms E3897Q, E4263Q, E6529Q, E4114Q, E6200Q, E6520Q, E4223Q, E4401Q.
Identifiers: ClinVar variation 1975375 (VCV001975375.5), dbSNP rs1309245053, ClinGen allele CA364521547.
Genomic context (GRCh38, chr6:56,504,005, plus strand): 5'-CAAGGACTTAAAACTGCAAGGGAGTCTTCGATAAATTAGCCCCCACACATACCTTTAGCT[C>G]TTCAATCTGCTGCTTGACAGTTTCGAGATCTGTTCCAATTGGAGACATTGAAGCTAATTT-3'
Protein context (NP_001361665.1, residues 6510-6530): DLETVKQQIE[Glu6520Gln]LKQFKSEAYQ

ClinVar aggregate classification (germline): Uncertain significance (1 of 4 stars; one submission).

Conditions:
Hereditary sensory and autonomic neuropathy type 6. Also called: Neuropathy, hereditary sensory and autonomic, type VI; HSAN VI. Identifiers: Orphanet 314381, MedGen C3539003, MONDO:0013839, OMIM 614653.
Epidermolysis bullosa simplex 3, localized or generalized intermediate, with BP230 deficiency (EBS3). Also called: Epidermolysis bullosa simplex, autosomal recessive 2; Epidermolysis bullosa simplex due to BP230 deficiency. Identifiers: Orphanet 412181, MedGen C3809470, MONDO:0014180, OMIM 615425.

Allele frequency attached by ClinVar (database versions not stated): gnomAD exomes below 0.00001.
gnomAD v4.1: 6 of 1,607,582 alleles (0.00037%); highest among the groups gnomAD compares: Middle Eastern, 0.033%; no homozygotes.

Submission:

Labcorp Genetics (formerly Invitae), Labcorp
Classification: Uncertain significance for Epidermolysis bullosa simplex 3, localized or generalized intermediate, with BP230 deficiency; Hereditary sensory and autonomic neuropathy type 6. Last evaluated: 2022-05-25. Review status: criteria provided, single submitter. Criteria: Invitae Variant Classification Sherloc (09022015). Collection method: clinical testing. Allele origin: germline.
Comment: In summary, the available evidence is currently insufficient to determine the role of this variant in disease. Therefore, it has been classified as a Variant of Uncertain Significance. Experimental studies and prediction algorithms are not available or were not evaluated, and the functional significance of this variant is currently unknown. This variant has not been reported in the literature in individuals affected with DST-related conditions. This variant is present in population databases (no rsID available, gnomAD 0.002%). This sequence change replaces glutamic acid, which is acidic and polar, with glutamine, which is neutral and polar, at codon 3897 of the DST protein (p.Glu3897Gln).